The following is an entry in ClinVar:

NM_001458.5(FLNC):c.2084G>T (p.Arg695Leu)

Gene: FLNC (filamin C; plus strand). Cytogenetic location: 7q32.1.
Variant type: single nucleotide variant.
Coding change: c.2084G>T on transcript NM_001458.5 (MANE Select); coding-DNA position 2084, G replaced by T.
Protein change: p.Arg695Leu; replaces arginine 695 with leucine.
Molecular consequence: missense variant.
Genome position (GRCh38, 1-based): chr7:128,841,530, G>T. VCF-style: chr7-128841530-G-T. GRCh37 (hg19) VCF-style: chr7-128481584-G-T.
Other names: c.2084G>T, p.Arg695Leu (NM_001127487.2); short protein forms R695L.
Identifiers: ClinVar variation 573051 (VCV000573051.13), dbSNP rs766592492, ClinGen allele CA369228080.

ClinVar aggregate classification (germline): Uncertain significance. Review status: criteria provided, multiple submitters, no conflicts (2 of 4 stars). 2 submissions from 2 submitters: Uncertain significance (2). Last evaluated 2024-03-11.

Conditions:
Myofibrillar myopathy 5. Also called: FILAMINOPATHY, AUTOSOMAL DOMINANT; Filaminopathy (type). Identifiers: Orphanet 171445, MedGen C1836050, MONDO:0012289, OMIM 609524.
Hypertrophic cardiomyopathy 26. Also called: Cardiomyopathy, familial hypertrophic, 26. Identifiers: Orphanet 75249, MedGen C4310749, MONDO:0014883, OMIM 617047.
Distal myopathy with posterior leg and anterior hand involvement. Also called: WILLIAMS DISTAL MYOPATHY. Identifiers: Orphanet 63273, MedGen C3279722, MONDO:0013550, OMIM 614065.
Cardiovascular phenotype. Identifiers: MedGen CN230736.

Submissions (2):

Labcorp Genetics (formerly Invitae), Labcorp
Classification: Uncertain significance for Distal myopathy with posterior leg and anterior hand involvement; Myofibrillar myopathy 5; Hypertrophic cardiomyopathy 26. Last evaluated: 2024-03-11. Review status: criteria provided, single submitter. Criteria: Invitae Variant Classification Sherloc (09022015). Collection method: clinical testing. Allele origin: germline.
Comment: This sequence change replaces arginine, which is basic and polar, with leucine, which is neutral and non-polar, at codon 695 of the FLNC protein (p.Arg695Leu). This variant is not present in population databases (gnomAD no frequency). This variant has not been reported in the literature in individuals affected with FLNC-related conditions. ClinVar contains an entry for this variant (Variation ID: 573051). Advanced modeling of protein sequence and biophysical properties (such as structural, functional, and spatial information, amino acid conservation, physicochemical variation, residue mobility, and thermodynamic stability) has been performed at Invitae for this missense variant, however the output from this modeling did not meet the statistical confidence thresholds required to predict the impact of this variant on FLNC protein function. In summary, the available evidence is currently insufficient to determine the role of this variant in disease. Therefore, it has been classified as a Variant of Uncertain Significance.

Ambry Genetics
Classification: Uncertain significance for Cardiovascular phenotype. Last evaluated: 2022-03-08. Review status: criteria provided, single submitter. Criteria: Ambry Variant Classification Scheme 2023. Collection method: clinical testing. Allele origin: germline.
Comment: The p.R695L variant (also known as c.2084G>T), located in coding exon 13 of the FLNC gene, results from a G to T substitution at nucleotide position 2084. The arginine at codon 695 is replaced by leucine, an amino acid with dissimilar properties. This amino acid position is conserved. In addition, the in silico prediction for this alteration is inconclusive. Since supporting evidence is limited at this time, the clinical significance of this alteration remains unclear.